The following is an entry in ClinVar:

NM_001042492.3(NF1):c.7971-19G>T

Gene: NF1 (neurofibromin 1; plus strand). Cytogenetic location: 17q11.2.
Variant type: single nucleotide variant.
Coding change: c.7971-19G>T on transcript NM_001042492.3 (MANE Select); 19 bases into the intron before coding-DNA position 7971, G replaced by T.
Molecular consequence: intron variant.
Genome position (GRCh38, 1-based): chr17:31,358,461, G>T. VCF-style: chr17-31358461-G-T. GRCh37 (hg19) VCF-style: chr17-29685479-G-T.
Other names: c.7908-19G>T (NM_000267.4).
Identifiers: ClinVar variation 257305 (VCV000257305.30), dbSNP rs17887156, ClinGen allele CA8487707.

ClinVar aggregate classification (germline): Benign/Likely benign. Review status: criteria provided, multiple submitters, no conflicts (2 of 4 stars). 12 submissions from 11 submitters: Benign (9); Likely benign (1). 2 of the submissions do not count toward it. Last evaluated 2026-05-22.

Conditions:
Neurofibromatosis, type 1 (NF1). Also called: VON RECKLINGHAUSEN DISEASE; NEUROFIBROMATOSIS, TYPE I, SOMATIC; Peripheral type neurofibromatosis; Neurofibromatosis, type I. Identifiers: Orphanet 636, MedGen C0027831, MONDO:0018975, OMIM 162200. Disease mechanism: loss of function.
Neurofibromatosis, familial spinal (FSNF). Identifiers: Orphanet 636, MedGen C1834235, MONDO:0008078, OMIM 162210. Disease mechanism: loss of function.

Allele frequency attached by ClinVar (database versions not stated): gnomAD exomes 0.00167 and 0.00469; ExAC 0.00638; 1000 Genomes Project 30x 0.01765; 1000 Genomes Project 0.01777; gnomAD 0.01813 and 0.01950; TOPMed 0.01886; ESP Exome Variant Server 0.01976.
gnomAD v4.1: 5,275 of 1,610,870 alleles (0.33%); highest among the groups gnomAD compares: African/African-American, 6.2%; 169 homozygotes.

Submissions (12):

Myriad Genetics, Inc.
Classification: Benign for Neurofibromatosis, type 1. Last evaluated: 2026-05-22. Review status: criteria provided, single submitter. Criteria: Myriad Autosomal Dominant, Autosomal Recessive and X-Linked Classification Criteria (2023). Collection method: clinical testing. Allele origin: unknown.
Comment: This variant is considered benign. This variant is intronic and is not expected to impact mRNA splicing. This variant has been observed at a population frequency that is significantly greater than expected given the associated disease prevalence and penetrance.

Labcorp Genetics (formerly Invitae), Labcorp
Classification: Benign for Neurofibromatosis, type 1. Last evaluated: 2026-02-04. Review status: criteria provided, single submitter. Criteria: Invitae Variant Classification Sherloc (09022015). Collection method: clinical testing. Allele origin: germline.

ARUP Laboratories, Molecular Genetics and Genomics, ARUP Laboratories
Classification: Benign. Last evaluated: 2025-04-21. Review status: criteria provided, single submitter. Criteria: ARUP Molecular Germline Variant Investigation Process 2024. Collection method: clinical testing. Allele origin: germline.

KCCC/NGS Laboratory, Kuwait Cancer Control Center
Classification: Benign for Neurofibromatosis, type 1. Last evaluated: 2025-02-01. Review status: criteria provided, single submitter. Criteria: ACMG Guidelines, 2015. Collection method: clinical testing. Allele origin: germline. Affected: no.

Blueprint Genetics
Classification: Likely benign. Last evaluated: 2024-11-22. Review status: criteria provided, single submitter. Criteria: ACMG Guidelines, 2015. Collection method: clinical testing. Allele origin: germline.

KCCC/NGS Laboratory, Kuwait Cancer Control Center
Classification: Benign for Neurofibromatosis, familial spinal. Last evaluated: 2023-07-07. Review status: criteria provided, single submitter. Criteria: ACMG Guidelines, 2015. Collection method: clinical testing. Allele origin: germline. Affected: yes.

Genome-Nilou Lab
Classification: Benign for Neurofibromatosis, type 1. Last evaluated: 2022-03-15. Review status: criteria provided, single submitter. Criteria: ACMG Guidelines, 2015. Collection method: clinical testing. Allele origin: germline. Affected: no.

Women's Health and Genetics/Laboratory Corporation of America, LabCorp
Classification: Benign. Last evaluated: 2016-05-12. Review status: criteria provided, single submitter. Criteria: LabCorp Variant Classification Summary - May 2015. Collection method: clinical testing. Allele origin: germline.
Comment: Variant summary: The NF1 c.7908-19G>T variant involves the alteration of a non-conserved intronic nucleotide with 5/5 splice prediction tools calculating no significant effect on splicing, although these predictions have yet to be functionally assessed. The variant of interest was observed in the large, broad control population, ExAC, with an allele frequency of 699/109636 (21 homozygotes, 1/156, frequency: 0.0063756), predominantly observed in the African cohort, 660/9614 (21 homozygotes, 1/14, frequency: 0.06865), which significantly exceeds the estimated maximal expected allele frequency for a pathogenic NF1 variant of 1/4798 (0.0002084). Therefore, suggesting the variant is a common polymorphism found in population(s) of African origin. The variant of interest, to our knowledge, has not been reported in affected individuals via publications and/or reputable databases/clinical laboratories. Therefore, taking all available lines of evidence into consideration, the variant of interest is classified as Benign.

GeneDx
Classification: Benign. Last evaluated: 2016-04-05. Review status: criteria provided, single submitter. Criteria: GeneDx Variant Classification (06012015). Collection method: clinical testing. Allele origin: germline. Affected: yes.
Comment: This variant is considered likely benign or benign based on one or more of the following criteria: it is a conservative change, it occurs at a poorly conserved position in the protein, it is predicted to be benign by multiple in silico algorithms, and/or has population frequency not consistent with disease.

PreventionGenetics, part of Exact Sciences
Classification: Benign. Review status: criteria provided, single submitter. Criteria: ACMG Guidelines, 2015. Collection method: clinical testing. Allele origin: germline.

Clinical Genetics DNA and cytogenetics Diagnostics Lab, Erasmus MC, Erasmus Medical Center
Classification: Benign. Review status: no assertion criteria provided. Collection method: clinical testing. Allele origin: germline. Affected: yes. Study: VKGL Data-share Consensus. Not counted in ClinVar's aggregate classification.

Genome Diagnostics Laboratory, Amsterdam University Medical Center
Classification: Benign. Review status: no assertion criteria provided. Collection method: clinical testing. Allele origin: germline. Affected: yes. Study: VKGL Data-share Consensus. Not counted in ClinVar's aggregate classification.